The following is an entry in ClinVar:

ClinVar aggregate classification (germline): Likely benign (1 of 4 stars; one submission).

Submission:

CeGaT Center for Human Genetics Tuebingen
Classification: Likely benign. Last evaluated: 2026-05-01. Review status: criteria provided, single submitter. Criteria: CeGaT Center For Human Genetics Tuebingen Variant Classification Criteria Version 2. Collection method: clinical testing. Allele origin: germline. Affected: yes. Observed: 6 variant alleles.
Comment: NOA1: BP4, BS2

NM_032313.4(NOA1):c.2044C>T (p.Pro682Ser)

Gene: NOA1 (nitric oxide associated 1; minus strand). Cytogenetic location: 4q12.
Variant type: single nucleotide variant.
Coding change: c.2044C>T on transcript NM_032313.4 (MANE Select); coding-DNA position 2044, C replaced by T.
Protein change: p.Pro682Ser; replaces proline 682 with serine.
Molecular consequence: missense variant.
Genome position (GRCh38, 1-based): chr4:56,963,503, G>A on the plus strand (C>T on the coding strand, the complement: NOA1 is on the minus strand). VCF-style: chr4-56963503-G-A. GRCh37 (hg19) VCF-style: chr4-57829669-G-A.
Other names: short protein forms P682S.
Identifiers: ClinVar variation 3770647 (VCV003770647.13).